The following is an entry in ClinVar:

NM_032119.4(ADGRV1):c.3833T>C (p.Phe1278Ser)

Gene: ADGRV1 (adhesion G protein-coupled receptor V1; plus strand). Cytogenetic location: 5q14.3.
Variant type: single nucleotide variant.
Coding change: c.3833T>C on transcript NM_032119.4 (MANE Select); coding-DNA position 3833, T replaced by C.
Protein change: p.Phe1278Ser; replaces phenylalanine 1278 with serine.
Molecular consequence: missense variant. On other transcripts: non-coding transcript variant (1).
Genome position (GRCh38, 1-based): chr5:90,653,407, T>C. VCF-style: chr5-90653407-T-C. GRCh37 (hg19) VCF-style: chr5-89949224-T-C.
Other names: short protein forms F1278S.
Identifiers: ClinVar variation 968916 (VCV000968916.11), dbSNP rs1768925534, ClinGen allele CA360399241.

ClinVar aggregate classification (germline): Uncertain significance. Review status: criteria provided, multiple submitters, no conflicts (2 of 4 stars). 2 submissions from 2 submitters: Uncertain significance (2). Last evaluated 2024-07-09.

Conditions:
Inborn genetic diseases. Identifiers: MedGen C0950123, MeSH D030342.

Allele frequency attached by ClinVar (database versions not stated): gnomAD exomes below 0.00001.
gnomAD v4.1: 2 of 1,613,984 alleles (0.00012%); highest among the groups gnomAD compares: African/African-American, 0.0013%; no homozygotes.

Submissions (2):

Ambry Genetics
Classification: Uncertain significance for Inborn genetic diseases. Last evaluated: 2024-07-09. Review status: criteria provided, single submitter. Criteria: Ambry Variant Classification Scheme 2023. Collection method: clinical testing. Allele origin: germline.

Labcorp Genetics (formerly Invitae), Labcorp
Classification: Uncertain significance. Last evaluated: 2022-07-11. Review status: criteria provided, single submitter. Criteria: Invitae Variant Classification Sherloc (09022015). Collection method: clinical testing. Allele origin: germline.
Comment: Algorithms developed to predict the effect of missense changes on protein structure and function are either unavailable or do not agree on the potential impact of this missense change (SIFT: "Deleterious"; PolyPhen-2: "Benign"; Align-GVGD: "Class C0"). In summary, the available evidence is currently insufficient to determine the role of this variant in disease. Therefore, it has been classified as a Variant of Uncertain Significance. ClinVar contains an entry for this variant (Variation ID: 968916). This variant has not been reported in the literature in individuals affected with ADGRV1-related conditions. This variant is not present in population databases (gnomAD no frequency). This sequence change replaces phenylalanine, which is neutral and non-polar, with serine, which is neutral and polar, at codon 1278 of the ADGRV1 protein (p.Phe1278Ser).